The following is an entry in ClinVar:

ClinVar aggregate classification (germline): Uncertain significance (1 of 4 stars; one submission).

Conditions:
Immunodeficiency. Identifiers: MedGen C0021051, MONDO:0021094, HP:0002721.

gnomAD v4.1: 3 of 1,614,172 alleles (0.00019%); highest among the groups gnomAD compares: Non-Finnish European, 0.00017%; no homozygotes.

Submission:

Labcorp Genetics (formerly Invitae), Labcorp
Classification: Uncertain significance for Immunodeficiency. Last evaluated: 2025-05-13. Review status: criteria provided, single submitter. Criteria: Invitae Variant Classification Sherloc (09022015). Collection method: clinical testing. Allele origin: germline.
Comment: This sequence change replaces glutamine, which is neutral and polar, with arginine, which is basic and polar, at codon 1404 of the NFAT5 protein (p.Gln1404Arg). This variant is not present in population databases (gnomAD no frequency). This variant has not been reported in the literature in individuals affected with NFAT5-related conditions. An algorithm developed to predict the effect of missense changes on protein structure and function (PolyPhen-2) suggests that this variant is likely to be disruptive. In summary, the available evidence is currently insufficient to determine the role of this variant in disease. Therefore, it has been classified as a Variant of Uncertain Significance.

NM_138713.4(NFAT5):c.4493A>G (p.Gln1498Arg)

Gene: NFAT5 (nuclear factor of activated T cells 5; plus strand). Cytogenetic location: 16q22.1.
Variant type: single nucleotide variant.
Coding change: c.4493A>G on transcript NM_138713.4 (MANE Select); coding-DNA position 4493, A replaced by G.
Protein change: p.Gln1498Arg; replaces glutamine 1498 with arginine.
Molecular consequence: missense variant.
Genome position (GRCh38, 1-based): chr16:69,695,214, A>G. VCF-style: chr16-69695214-A-G. GRCh37 (hg19) VCF-style: chr16-69729117-A-G.
Other names: c.4490A>G, p.Gln1497Arg (NM_001113178.3); c.3818A>G, p.Gln1273Arg (NM_001367709.1); c.4439A>G, p.Gln1480Arg (NM_006599.4); c.4211A>G, p.Gln1404Arg (NM_138714.4, NM_173214.3, NM_173215.3); short protein forms Q1273R, Q1404R, Q1480R, Q1497R, Q1498R.
Identifiers: ClinVar variation 4701531 (VCV004701531.1).
Genomic context (GRCh38, chr16:69,695,214, plus strand): 5'-CCTCTGGACCAGCTACATTGCCTGATCAGTTGATGGCCATAAGTCAGCCAGGCCAACCAC[A>G]AAACGAGGGCCAGCCACCTGTGACAACACTTCTTTCTCAGCAAATGCCAGAGAATTCTCC-3'
Protein context (NP_619727.2, residues 1488-1508): LMAISQPGQP[Gln1498Arg]NEGQPPVTTL